The following is an entry in ClinVar:

NM_000051.4(ATM):c.3994-14T>G

Gene: ATM (ATM serine/threonine kinase; plus strand). Cytogenetic location: 11q22.3.
Variant type: single nucleotide variant.
Coding change: c.3994-14T>G on transcript NM_000051.4 (MANE Select); 14 bases into the intron before coding-DNA position 3994, T replaced by G.
Molecular consequence: intron variant.
Genome position (GRCh38, 1-based): chr11:108,287,586, T>G. VCF-style: chr11-108287586-T-G. GRCh37 (hg19) VCF-style: chr11-108158313-T-G.
Other names: c.3994-14T>G (NM_001351834.2).
Identifiers: ClinVar variation 922576 (VCV000922576.7), dbSNP rs1255634399, ClinGen allele CA601719803.

ClinVar aggregate classification (germline): Conflicting classifications of pathogenicity. Review status: criteria provided, conflicting classifications (1 of 4 stars). 2 submissions from 2 submitters: Uncertain significance (1); Likely benign (1). Last evaluated 2024-05-02.

Conditions:
Hereditary cancer-predisposing syndrome. Also called: Hereditary Cancer Syndrome; Hereditary neoplastic syndrome; Neoplastic Syndromes, Hereditary; Tumor predisposition. Identifiers: Orphanet 140162, MedGen C0027672, MeSH D009386, MONDO:0015356.
Ataxia-telangiectasia syndrome (AT). Also called: Ataxia-telangiectasia, complementation group E; LOUIS-BAR SYNDROME; Cerebello-oculocutaneous telangiectasia; Immunodeficiency with ataxia telangiectasia; Ataxia-telangiectasia, complementation group D; AT, COMPLEMENTATION GROUP C. Identifiers: Orphanet 100, MedGen C0004135, MONDO:0008840, OMIM 208900.

Allele frequency attached by ClinVar (database versions not stated): gnomAD exomes below 0.00001.
gnomAD v4.1: 1 of 1,512,656 alleles (0.000066%); highest among the groups gnomAD compares: African/African-American, 0.0014%; no homozygotes.

Submissions (2):

Labcorp Genetics (formerly Invitae), Labcorp
Classification: Likely benign for Ataxia-telangiectasia syndrome. Last evaluated: 2024-05-02. Review status: criteria provided, single submitter. Criteria: Invitae Variant Classification Sherloc (09022015). Collection method: clinical testing. Allele origin: germline.

Color Diagnostics, LLC DBA Color Health
Classification: Uncertain significance for Hereditary cancer-predisposing syndrome. Last evaluated: 2021-09-21. Review status: criteria provided, single submitter. Criteria: ACMG Guidelines, 2015. Collection method: clinical testing. Allele origin: germline.
Comment: This variant causes a T to G nucleotide substitution at the -14 position of intron 26 of the ATM gene. Splice site prediction tools suggest that this variant may not impact RNA splicing, although this prediction has not been confirmed in published RNA studies. To our knowledge, this variant has not been reported in individuals affected with hereditary cancer in the literature. This variant has been identified in 1/246136 chromosomes in the general population by the Genome Aggregation Database (gnomAD). The available evidence is insufficient to determine the role of this variant in disease conclusively. Therefore, this variant is classified as a Variant of Uncertain Significance.